The following is an entry in ClinVar:

ClinVar aggregate classification (germline): Uncertain significance (1 of 4 stars; one submission).

gnomAD v4.1: 31 of 1,613,844 alleles (0.0019%); highest among the groups gnomAD compares: Non-Finnish European, 0.0025%; no homozygotes.

Submission:

Mayo Clinic Laboratories, Mayo Clinic
Classification: Uncertain significance. Last evaluated: 2025-01-14. Review status: criteria provided, single submitter. Criteria: ACMG Guidelines, 2015. Collection method: clinical testing. Allele origin: germline. Observed: 1 variant allele.
Comment: BP4_moderate, PM2_supporting

NM_080732.4(EGLN2):c.77A>G (p.Glu26Gly)

Genes: EGLN2 (egl-9 family hypoxia inducible factor 2; plus strand), RAB4B-EGLN2 (RAB4B-EGLN2 readthrough (NMD candidate); plus strand). Cytogenetic location: 19q13.2.
Variant type: single nucleotide variant.
Coding change: c.77A>G on transcript NM_080732.4 (MANE Select); coding-DNA position 77, A replaced by G.
Protein change: p.Glu26Gly; replaces glutamic acid 26 with glycine.
Molecular consequence: missense variant. On other transcripts: non-coding transcript variant (1).
Genome position (GRCh38, 1-based): chr19:40,800,649, A>G. VCF-style: chr19-40800649-A-G. GRCh37 (hg19) VCF-style: chr19-41306554-A-G.
Other names: p.Glu26Gly; c.77A>G, p.Glu26Gly (NM_053046.4); short protein forms E26G.
Identifiers: ClinVar variation 4542343 (VCV004542343.1).
Genomic context (GRCh38, chr19:40,800,649, plus strand): 5'-AGCCGCAGCCCCTAAGTCAGGCTCTCCCTCAGTTACCAGGGTCTTCGTCAGAGCCCTTGG[A>G]GCCTGAGCCTGGCCGGGCCAGGATGGGAGTGGAGAGTTACCTGCCCTGTCCCCTGCTCCC-3'
Protein context (NP_542770.2, residues 16-36): QLPGSSSEPL[Glu26Gly]PEPGRARMGV